The following is an entry in ClinVar:

NM_017739.4(POMGNT1):c.1794T>C (p.His598=)

Genes: POMGNT1 (protein O-linked mannose N-acetylglucosaminyltransferase 1 (beta 1,2-); minus strand), TSPAN1 (tetraspanin 1; plus strand). Cytogenetic location: 1p34.1.
Variant type: single nucleotide variant.
Coding change: c.1794T>C on transcript NM_017739.4 (MANE Select); coding-DNA position 1794, T replaced by C.
Protein change: p.His598=; no amino-acid change (histidine 598 retained).
Molecular consequence: synonymous variant.
Genome position (GRCh38, 1-based): chr1:46,189,559, A>G on the plus strand (T>C on the coding strand, the complement: POMGNT1 is on the minus strand). VCF-style: chr1-46189559-A-G. GRCh37 (hg19) VCF-style: chr1-46655231-A-G.
Other names: c.1794T>C, p.His598= (NM_001243766.2, NM_001410783.1); c.1728T>C, p.His576= (NM_001290129.3); c.1365T>C, p.His455= (NM_001290130.2).
Identifiers: ClinVar variation 3755162 (VCV003755162.3).

ClinVar aggregate classification (germline): Likely benign. Review status: criteria provided, multiple submitters, no conflicts (2 of 4 stars). 3 submissions from 3 submitters: Likely benign (2). 1 of the submissions does not count toward it. Last evaluated 2026-07-01.

Conditions:
Autosomal recessive limb-girdle muscular dystrophy type 2O. Also called: MUSCULAR DYSTROPHY-DYSTROGLYCANOPATHY (LIMB-GIRDLE), TYPE C, 3; MUSCULAR DYSTROPHY-DYSTROGLYCANOPATHY, LIMB-GIRDLE, POMGNT1-RELATED; Limb-Girdle Muscular Dystrophy Type 3C. Identifiers: Orphanet 206564, MedGen C3150417, MONDO:0013161, OMIM 613157.
Muscular dystrophy-dystroglycanopathy (congenital with impaired intellectual development), type B, 3. Also called: MUSCULAR DYSTROPHY, CONGENITAL, POMGNT1-RELATED; Muscular dystrophy-dystroglycanopathy (congenital with intellectual disability), type B3. Identifiers: MedGen C3150412, MONDO:0013155, OMIM 613151.
Muscle eye brain disease (MEB). Also called: Santavuori congenital muscular dystrophy. Identifiers: Orphanet 588, Orphanet 899, MedGen C0457133, MONDO:0018939.

Submissions (3):

CeGaT Center for Human Genetics Tuebingen
Classification: Likely benign. Last evaluated: 2026-07-01. Review status: criteria provided, single submitter. Criteria: CeGaT Center For Human Genetics Tuebingen Variant Classification Criteria Version 2. Collection method: clinical testing. Allele origin: germline. Affected: yes. Observed: 1 variant allele.
Comment: POMGNT1: PM2:Supporting, BP4, BP7

Labcorp Genetics (formerly Invitae), Labcorp
Classification: Likely benign for Autosomal recessive limb-girdle muscular dystrophy type 2O; Muscular dystrophy-dystroglycanopathy (congenital with impaired intellectual development), type B, 3. Last evaluated: 2024-03-07. Review status: criteria provided, single submitter. Criteria: Invitae Variant Classification Sherloc (09022015). Collection method: clinical testing. Allele origin: germline.

Natera, Inc.
Classification: Uncertain significance for Muscle-eye-brain disease. Last evaluated: 2025-03-04. Review status: no assertion criteria provided. Collection method: clinical testing. Allele origin: germline. Not counted in ClinVar's aggregate classification.